The following is an entry in ClinVar:

NM_015627.3(LDLRAP1):c.654A>G (p.Thr218=)

Gene: LDLRAP1 (low density lipoprotein receptor adaptor protein 1; plus strand). Cytogenetic location: 1p36.11.
Variant type: single nucleotide variant.
Coding change: c.654A>G on transcript NM_015627.3 (MANE Select); coding-DNA position 654, A replaced by G.
Protein change: p.Thr218=; no amino-acid change (threonine 218 retained).
Molecular consequence: synonymous variant.
Genome position (GRCh38, 1-based): chr1:25,563,698, A>G. VCF-style: chr1-25563698-A-G. GRCh37 (hg19) VCF-style: chr1-25890189-A-G.
Other names: p.Thr218=.
Identifiers: ClinVar variation 296984 (VCV000296984.37), dbSNP rs28969504, ClinGen allele CA695686.

ClinVar aggregate classification (germline): Benign/Likely benign. Review status: criteria provided, multiple submitters, no conflicts (2 of 4 stars). 15 submissions from 15 submitters: Benign (11); Likely benign (1). 3 of the submissions do not count toward it. Last evaluated 2026-02-04.

Conditions:
Hypercholesterolemia, familial, 4 (FHCL4). Also called: HYPERCHOLESTEROLEMIA, AUTOSOMAL RECESSIVE, 1; HYPERCHOLESTEROLEMIA, AUTOSOMAL RECESSIVE, 2. Identifiers: Orphanet 391665, MedGen C1863512, MONDO:0011374, OMIM 603813.
Cardiovascular phenotype. Identifiers: MedGen CN230736.
Familial hypercholesterolemia. Also called: Familial hypercholesterolaemia; Familial hypercholesterolemias. Identifiers: MedGen C0020445, MONDO:0005439.

Allele frequency attached by ClinVar (database versions not stated): gnomAD exomes 0.54825 and 0.55014; ExAC 0.55151; 1000 Genomes Project 0.58626; 1000 Genomes Project 30x 0.59681; gnomAD 0.61528 and 0.62316; TOPMed 0.63125; ESP Exome Variant Server 0.63217.

Submissions (15):

Labcorp Genetics (formerly Invitae), Labcorp
Classification: Benign for Hypercholesterolemia, familial, 4. Last evaluated: 2026-02-04. Review status: criteria provided, single submitter. Criteria: Invitae Variant Classification Sherloc (09022015). Collection method: clinical testing. Allele origin: germline.

ARUP Laboratories, Molecular Genetics and Genomics, ARUP Laboratories
Classification: Benign for Hypercholesterolemia, familial, 4. Last evaluated: 2025-07-30. Review status: criteria provided, single submitter. Criteria: ARUP Molecular Germline Variant Investigation Process 2024. Collection method: clinical testing. Allele origin: germline.

Molecular Diagnostic Laboratory for Inherited Cardiovascular Disease, Montreal Heart Institute
Classification: Benign. Last evaluated: 2025-04-09. Review status: criteria provided, single submitter. Criteria: ACMG Guidelines, 2015. Collection method: clinical testing. Allele origin: germline. Affected: no.

Blueprint Genetics
Classification: Likely benign. Last evaluated: 2024-11-26. Review status: criteria provided, single submitter. Criteria: ACMG Guidelines, 2015. Collection method: clinical testing. Allele origin: germline.

GENinCode PLC
Classification: Benign for Hypercholesterolemia, familial, 4. Last evaluated: 2022-06-30. Review status: criteria provided, single submitter. Criteria: ACMG Guidelines, 2015. Collection method: clinical testing. Allele origin: germline.

Genome-Nilou Lab
Classification: Benign for Hypercholesterolemia, familial, 4. Last evaluated: 2021-07-08. Review status: criteria provided, single submitter. Criteria: ACMG Guidelines, 2015. Collection method: clinical testing. Allele origin: germline. Affected: no.

Women's Health and Genetics/Laboratory Corporation of America, LabCorp
Classification: Benign. Last evaluated: 2019-08-09. Review status: criteria provided, single submitter. Criteria: LabCorp Variant Classification Summary - May 2015. Collection method: clinical testing. Allele origin: germline.

Illumina Laboratory Services, Illumina
Classification: Benign for Hypercholesterolemia, familial, 4. Last evaluated: 2018-01-13. Review status: criteria provided, single submitter. Criteria: ICSL Variant Classification Criteria 13 December 2019. Collection method: clinical testing. Allele origin: germline.
Comment: This variant was observed in the ICSL laboratory as part of a predisposition screen in an ostensibly healthy population. It had not been previously curated by ICSL or reported in the Human Gene Mutation Database (HGMD: prior to June 1st, 2018), and was therefore a candidate for classification through an automated scoring system. Utilizing variant allele frequency, disease prevalence and penetrance estimates, and inheritance mode, an automated score was calculated to assess if this variant is too frequent to cause the disease. Based on the score and internal cut-off values, a variant classified as benign is not then subjected to further curation. The score for this variant resulted in a classification of benign for this disease.

Ambry Genetics
Classification: Benign for Cardiovascular phenotype. Last evaluated: 2016-11-02. Review status: criteria provided, single submitter. Criteria: Ambry Variant Classification Scheme 2023. Collection method: clinical testing. Allele origin: germline.

GeneDx
Classification: Benign. Last evaluated: 2016-09-28. Review status: criteria provided, single submitter. Criteria: GeneDx Variant Classification (06012015). Collection method: clinical testing. Allele origin: germline. Affected: yes.
Comment: This variant is considered likely benign or benign based on one or more of the following criteria: it is a conservative change, it occurs at a poorly conserved position in the protein, it is predicted to be benign by multiple in silico algorithms, and/or has population frequency not consistent with disease.

Mayo Clinic Laboratories, Mayo Clinic
Classification: Benign. Last evaluated: 2014-01-31. Review status: criteria provided, single submitter. Criteria: ACMG Guidelines, 2015. Collection method: clinical testing. Allele origin: germline. Observed: 1,016 variant alleles.

Breakthrough Genomics
Classification: Benign. Review status: criteria provided, single submitter. Criteria: ACMG Guidelines, 2015. Collection method: not provided. Allele origin: germline. Inheritance: Autosomal recessive inheritance. Affected: yes.

Natera, Inc.
Classification: Benign for Familial hypercholesterolemia. Last evaluated: 2020-09-16. Review status: no assertion criteria provided. Collection method: clinical testing. Allele origin: germline. Not counted in ClinVar's aggregate classification.

Clinical Genetics, Academic Medical Center
Classification: Benign. Review status: no assertion criteria provided. Collection method: clinical testing. Allele origin: germline. Affected: yes. Study: VKGL Data-share Consensus. Not counted in ClinVar's aggregate classification.

Diagnostic Laboratory, Department of Genetics, University Medical Center Groningen
Classification: Benign for Hypercholesterolemia, familial, 4. Review status: no assertion criteria provided. Collection method: clinical testing. Allele origin: germline. Affected: yes. Study: VKGL Data-share Consensus. Not counted in ClinVar's aggregate classification.